The following is an entry in ClinVar:

NM_001382391.1(CSPP1):c.3647T>A (p.Phe1216Tyr)

Genes: ARFGEF1 (ARF guanine nucleotide exchange factor 1; minus strand), CSPP1 (centrosome and spindle pole associated protein 1; plus strand). Cytogenetic location: 8q13.2.
Variant type: single nucleotide variant.
Coding change: c.3647T>A on transcript NM_001382391.1 (MANE Select); coding-DNA position 3647, T replaced by A.
Protein change: p.Phe1216Tyr; replaces phenylalanine 1216 with tyrosine.
Molecular consequence: missense variant. On other transcripts: intron variant (2), 3 prime UTR variant (1).
Genome position (GRCh38, 1-based): chr8:67,195,559, T>A. VCF-style: chr8-67195559-T-A. GRCh37 (hg19) VCF-style: chr8-68107794-T-A.
Other names: c.3632T>A, p.Phe1211Tyr (NM_024790.7); c.5367+4837A>T (NM_001413186.1); c.5385+4837A>T (NM_001413187.1); c.2597T>A, p.Phe866Tyr (NM_001291339.2); c.3566T>A, p.Phe1189Tyr (NM_001363131.2); c.3452T>A, p.Phe1151Tyr (NM_001363132.2); c.3371T>A, p.Phe1124Tyr (NM_001363133.2); c.3713T>A, p.Phe1238Tyr (NM_001364869.1); and 4 more; short protein forms F1211Y, F1178Y, F866Y, F1124Y, F1151Y, F1189Y, F1238Y, F1216Y.
Identifiers: ClinVar variation 430519 (VCV000430519.2), dbSNP rs771365440, ClinGen allele CA4771234.

ClinVar aggregate classification (germline): Uncertain significance (1 of 4 stars; one submission).

Allele frequency attached by ClinVar (database versions not stated): gnomAD 0.00001; TOPMed below 0.00001; ExAC 0.00003.
gnomAD v4.1: 12 of 1,614,080 alleles (0.00074%); highest among the groups gnomAD compares: East Asian, 0.027%; no homozygotes.

Submission:

GeneDx
Classification: Uncertain significance. Last evaluated: 2017-05-31. Review status: criteria provided, single submitter. Criteria: GeneDx Variant Classification (06012015). Collection method: clinical testing. Allele origin: germline. Affected: yes.
Comment: A variant of uncertain significance has been identified in the CSPP1 gene. The F1211Y variant has not been published as a pathogenic variant, nor has it been reported as a benign variant to our knowledge. The F1211Y variant is not observed at a significant frequency in large population cohorts (Lek et al., 2016; 1000 Genomes Consortium et al., 2015; Exome Variant Server). The F1211Y variant is a non-conservative amino acid substitution, which is likely to impact secondary protein structure as these residues differ in polarity, charge, size and/or other properties. However, this substitution occurs at a position that is not conserved, and in silico analysis predicts this variant likely does not alter the protein structure/function. Therefore, based on the currently available information, it is unclear whether this variant is a pathogenic variant or a rare benign variant.